The following is an entry in ClinVar:

NM_000126.4(ETFA):c.967G>A (p.Val323Ile)

Gene: ETFA (electron transfer flavoprotein subunit alpha; minus strand). Cytogenetic location: 15q24.2.
Variant type: single nucleotide variant.
Coding change: c.967G>A on transcript NM_000126.4 (MANE Select); coding-DNA position 967, G replaced by A.
Protein change: p.Val323Ile; replaces valine 323 with isoleucine.
Molecular consequence: missense variant.
Genome position (GRCh38, 1-based): chr15:76,216,594, C>T on the plus strand (G>A on the coding strand, the complement: ETFA is on the minus strand). VCF-style: chr15-76216594-C-T. GRCh37 (hg19) VCF-style: chr15-76508935-C-T.
Other names: c.820G>A, p.Val274Ile (NM_001127716.2); short protein forms V274I, V323I.
Identifiers: ClinVar variation 849799 (VCV000849799.8), dbSNP rs1225887341, ClinGen allele CA393512257.

ClinVar aggregate classification (germline): Uncertain significance. Review status: criteria provided, multiple submitters, no conflicts (2 of 4 stars). 2 submissions from 2 submitters: Uncertain significance (2). Last evaluated 2025-08-25.

Conditions:
Multiple acyl-CoA dehydrogenase deficiency (MADD). Also called: Glutaric aciduria, type 2; Glutaric Acidemia type 2; ETHYLMALONIC-ADIPICACIDURIA; GA II; Glutaric acidemia type II; GA 2. Identifiers: Orphanet 26791, MedGen C0268596, MONDO:0009282, OMIM 231680.
Inborn genetic diseases. Identifiers: MedGen C0950123, MeSH D030342.

Allele frequency attached by ClinVar (database versions not stated): gnomAD exomes below 0.00001 and 0.00001; gnomAD 0.00002; TOPMed 0.00002.
gnomAD v4.1: 4 of 1,587,258 alleles (0.00025%); highest among the groups gnomAD compares: Admixed American, 0.0017%; no homozygotes.

Submissions (2):

Ambry Genetics
Classification: Uncertain significance for Inborn genetic diseases. Last evaluated: 2025-08-25. Review status: criteria provided, single submitter. Criteria: Ambry Variant Classification Scheme 2023. Collection method: clinical testing. Allele origin: germline.

Labcorp Genetics (formerly Invitae), Labcorp
Classification: Uncertain significance for Multiple acyl-CoA dehydrogenase deficiency. Last evaluated: 2021-08-26. Review status: criteria provided, single submitter. Criteria: Invitae Variant Classification Sherloc (09022015). Collection method: clinical testing. Allele origin: germline.
Comment: This sequence change replaces valine with isoleucine at codon 323 of the ETFA protein (p.Val323Ile). The valine residue is highly conserved and there is a small physicochemical difference between valine and isoleucine. This variant is not present in population databases (ExAC no frequency). This variant has not been reported in the literature in individuals affected with ETFA-related conditions. Algorithms developed to predict the effect of missense changes on protein structure and function (SIFT, PolyPhen-2, Align-GVGD) all suggest that this variant is likely to be tolerated. Algorithms developed to predict the effect of sequence changes on RNA splicing suggest that this variant may create or strengthen a splice site. In summary, the available evidence is currently insufficient to determine the role of this variant in disease. Therefore, it has been classified as a Variant of Uncertain Significance.